The following is an entry in ClinVar:

NM_001303052.2(MYT1L):c.317A>G (p.Glu106Gly)

Gene: MYT1L (myelin transcription factor 1 like; minus strand). Cytogenetic location: 2p25.3.
Variant type: single nucleotide variant.
Coding change: c.317A>G on transcript NM_001303052.2 (MANE Select); coding-DNA position 317, A replaced by G.
Protein change: p.Glu106Gly; replaces glutamic acid 106 with glycine.
Molecular consequence: missense variant.
Genome position (GRCh38, 1-based): chr2:1,943,170, T>C on the plus strand (A>G on the coding strand, the complement: MYT1L is on the minus strand). VCF-style: chr2-1943170-T-C. GRCh37 (hg19) VCF-style: chr2-1946942-T-C.
Other names: c.317A>G, p.Glu106Gly (NM_001329849.3, NM_001329851.3, NM_001329852.3 and 6 more transcripts); short protein forms E106G.
Identifiers: ClinVar variation 1377497 (VCV001377497.8), dbSNP rs1411503507, ClinGen allele CA345713607.
Genomic context (GRCh38, chr2:1,943,170, plus strand): 5'-TCCTCGTCCTCCTCGTCCTCATCCCCTGGCTCATCATTGTCCTCGGAGTACTCCTCCCCC[T>C]CATCCTCCTCCTTCTCATCCATGTCCTCAGTCCCATCACTGTCGTCACACTCATCCACTG-3'
Protein context (NP_001289981.1, residues 96-116): TEDMDEKEED[Glu106Gly]GEEYSEDNDE

ClinVar aggregate classification (germline): Uncertain significance (1 of 4 stars; one submission).

Allele frequency attached by ClinVar (database versions not stated): TOPMed below 0.00001; gnomAD 0.00001.
gnomAD v4.1: 1 of 1,547,930 alleles (0.000065%); highest among the groups gnomAD compares: Admixed American, 0.002%; no homozygotes.

Submission:

Labcorp Genetics (formerly Invitae), Labcorp
Classification: Uncertain significance. Last evaluated: 2024-01-02. Review status: criteria provided, single submitter. Criteria: Invitae Variant Classification Sherloc (09022015). Collection method: clinical testing. Allele origin: germline.
Comment: This sequence change replaces glutamic acid, which is acidic and polar, with glycine, which is neutral and non-polar, at codon 106 of the MYT1L protein (p.Glu106Gly). This variant is not present in population databases (gnomAD no frequency). This variant has not been reported in the literature in individuals affected with MYT1L-related conditions. ClinVar contains an entry for this variant (Variation ID: 1377497). Advanced modeling of protein sequence and biophysical properties (such as structural, functional, and spatial information, amino acid conservation, physicochemical variation, residue mobility, and thermodynamic stability) performed at Invitae indicates that this missense variant is not expected to disrupt MYT1L protein function with a negative predictive value of 80%. In summary, the available evidence is currently insufficient to determine the role of this variant in disease. Therefore, it has been classified as a Variant of Uncertain Significance.